The following is an entry in ClinVar:

NM_002528.7(NTHL1):c.4A>C (p.Thr2Pro)

Gene: NTHL1 (nth like DNA glycosylase 1; minus strand). Cytogenetic location: 16p13.3.
Variant type: single nucleotide variant.
Coding change: c.4A>C on transcript NM_002528.7 (MANE Select); coding-DNA position 4, A replaced by C.
Protein change: p.Thr2Pro; replaces threonine 2 with proline.
Molecular consequence: missense variant. On other transcripts: 5 prime UTR variant (1).
Genome position (GRCh38, 1-based): chr16:2,047,820, T>G on the plus strand (A>C on the coding strand, the complement: NTHL1 is on the minus strand). VCF-style: chr16-2047820-T-G. GRCh37 (hg19) VCF-style: chr16-2097821-T-G.
Other names: c.4A>C, p.Thr2Pro (NM_001318193.2); c.-175A>C (NM_001318194.2); short protein forms T2P.
Identifiers: ClinVar variation 1493429 (VCV001493429.9), dbSNP rs1346158495, ClinGen allele CA394298715.

ClinVar aggregate classification (germline): Uncertain significance. Review status: criteria provided, multiple submitters, no conflicts (2 of 4 stars). 3 submissions from 3 submitters: Uncertain significance (3). Last evaluated 2025-08-13.

Conditions:
Familial adenomatous polyposis 3. Also called: NTHL1-Related Adenomatous Polyposis and Colorectal Cancer; NTHL1-associated polyposis; NTHL1 Tumor Syndrome; NTHL1-related attenuated familial adenomatous polyposis. Identifiers: Orphanet 220460, Orphanet 454840, MedGen C4225157, MONDO:0014630, OMIM 616415.
Hereditary cancer-predisposing syndrome. Also called: Tumor predisposition; Neoplastic Syndromes, Hereditary; Hereditary Cancer Syndrome; Hereditary neoplastic syndrome. Identifiers: Orphanet 140162, MedGen C0027672, MeSH D009386, MONDO:0015356.

Allele frequency attached by ClinVar (database versions not stated): gnomAD exomes below 0.00001; TOPMed below 0.00001; gnomAD 0.00001.

Submissions (3):

Labcorp Genetics (formerly Invitae), Labcorp
Classification: Uncertain significance. Last evaluated: 2025-08-13. Review status: criteria provided, single submitter. Criteria: Invitae Variant Classification Sherloc (09022015). Collection method: clinical testing. Allele origin: germline.
Comment: This sequence change replaces threonine, which is neutral and polar, with proline, which is neutral and non-polar, at codon 10 of the NTHL1 protein (p.Thr10Pro). This variant is present in population databases (no rsID available, gnomAD 0.006%). This variant has not been reported in the literature in individuals affected with NTHL1-related conditions. ClinVar contains an entry for this variant (Variation ID: 1493429). An algorithm developed to predict the effect of missense changes on protein structure and function (PolyPhen-2) suggests that this variant is likely to be tolerated. In summary, the available evidence is currently insufficient to determine the role of this variant in disease. Therefore, it has been classified as a Variant of Uncertain Significance.

Baylor Genetics
Classification: Uncertain significance for Familial adenomatous polyposis 3. Last evaluated: 2024-01-12. Review status: criteria provided, single submitter. Criteria: ACMG Guidelines, 2015. Collection method: clinical testing. Allele origin: unknown.

Ambry Genetics
Classification: Uncertain significance for Hereditary cancer-predisposing syndrome. Last evaluated: 2022-04-23. Review status: criteria provided, single submitter. Criteria: Ambry Variant Classification Scheme 2023. Collection method: clinical testing. Allele origin: germline.
Comment: The p.T10P variant (also known as c.28A>C), located in coding exon 1 of the NTHL1 gene, results from an A to C substitution at nucleotide position 28. The threonine at codon 10 is replaced by proline, an amino acid with highly similar properties. This amino acid position is conserved. In addition, this alteration is predicted to be tolerated by in silico analysis. Since supporting evidence is limited at this time, the clinical significance of this alteration remains unclear.